The following is an entry in ClinVar:

ClinVar aggregate classification (germline): Uncertain significance (1 of 4 stars; one submission).

Conditions:
Actin accumulation myopathy (CMYO2A). Also called: CONGENITAL MYOPATHY 2A, TYPICAL, AUTOSOMAL DOMINANT; Myopathy, actin, congenital, with cores; Nemaline myopathy 3, with intranuclear rods; Nemaline myopathy type 3; Myopathy, actin, congenital, with excess of thin myofilaments. Identifiers: Orphanet 98904, MedGen C3711389, MONDO:0008070, OMIM 161800.

Submission:

Labcorp Genetics (formerly Invitae), Labcorp
Classification: Uncertain significance for Actin accumulation myopathy. Last evaluated: 2022-06-15. Review status: criteria provided, single submitter. Criteria: Invitae Variant Classification Sherloc (09022015). Collection method: clinical testing. Allele origin: germline.
Comment: In summary, the available evidence is currently insufficient to determine the role of this variant in disease. Therefore, it has been classified as a Variant of Uncertain Significance. This sequence change replaces asparagine, which is neutral and polar, with serine, which is neutral and polar, at codon 164 of the ACTA1 protein (p.Asn164Ser). This variant is not present in population databases (gnomAD no frequency). This variant has not been reported in the literature in individuals affected with ACTA1-related conditions. Advanced modeling of protein sequence and biophysical properties (such as structural, functional, and spatial information, amino acid conservation, physicochemical variation, residue mobility, and thermodynamic stability) performed at Invitae indicates that this missense variant is not expected to disrupt ACTA1 protein function.

NM_001100.4(ACTA1):c.491A>G (p.Asn164Ser)

Gene: ACTA1 (actin alpha 1, skeletal muscle; minus strand). Cytogenetic location: 1q42.13.
Variant type: single nucleotide variant.
Coding change: c.491A>G on transcript NM_001100.4 (MANE Select); coding-DNA position 491, A replaced by G.
Protein change: p.Asn164Ser; replaces asparagine 164 with serine.
Molecular consequence: missense variant.
Genome position (GRCh38, 1-based): chr1:229,432,395, T>C on the plus strand (A>G on the coding strand, the complement: ACTA1 is on the minus strand). VCF-style: chr1-229432395-T-C. GRCh37 (hg19) VCF-style: chr1-229568142-T-C.
Other names: short protein forms N164S.
Identifiers: ClinVar variation 2132822 (VCV002132822.4), dbSNP rs2527438028, ClinGen allele CA345148701.